The following is an entry in ClinVar:

ClinVar aggregate classification (germline): Benign. Review status: criteria provided, multiple submitters, no conflicts (2 of 4 stars). 5 submissions from 5 submitters: Benign (5). Last evaluated 2026-02-01.

Conditions:
Transcobalamin I deficiency (TCN1D). Also called: TCN1 DEFICIENCY; COBALAMIN PSEUDODEFICIENCY DUE TO TRANSCOBALAMIN DEFICIENCY; COBALAMIN R BINDER PROTEIN DEFICIENCY. Identifiers: Orphanet 2967, MedGen C0342700, MONDO:0008659, OMIM 193090.

Allele frequency attached by ClinVar (database versions not stated): 1000 Genomes Project 30x 0.01608; 1000 Genomes Project 0.01717; ESP Exome Variant Server 0.02972; TOPMed 0.03053; gnomAD 0.03193 and 0.03247; ExAC 0.03247; gnomAD exomes 0.03441 and 0.03771.
gnomAD v4.1: 59,950 of 1,613,558 alleles (3.7%); highest among the groups gnomAD compares: Middle Eastern, 4.4%; 1,360 homozygotes.

Submissions (5):

Labcorp Genetics (formerly Invitae), Labcorp
Classification: Benign for Transcobalamin I deficiency. Last evaluated: 2026-02-01. Review status: criteria provided, single submitter. Criteria: Invitae Variant Classification Sherloc (09022015). Collection method: clinical testing. Allele origin: germline.

ARUP Laboratories, Molecular Genetics and Genomics, ARUP Laboratories
Classification: Benign. Last evaluated: 2023-11-22. Review status: criteria provided, single submitter. Criteria: ARUP Molecular Germline Variant Investigation Process 2024. Collection method: clinical testing. Allele origin: germline.

Mayo Clinic Laboratories, Mayo Clinic
Classification: Benign. Last evaluated: 2022-05-18. Review status: criteria provided, single submitter. Criteria: ACMG Guidelines, 2015. Collection method: clinical testing. Allele origin: germline. Observed: 6 variant alleles.
Comment: BA1, BP4

GeneDx
Classification: Benign. Last evaluated: 2019-01-11. Review status: criteria provided, single submitter. Criteria: GeneDx Variant Classification Process June 2021. Collection method: clinical testing. Allele origin: germline. Affected: yes.
Comment: This variant is associated with the following publications: (PMID: 28334792)

Breakthrough Genomics
Classification: Benign. Review status: criteria provided, single submitter. Criteria: ACMG Guidelines, 2015. Collection method: not provided. Allele origin: germline. Inheritance: Unknown mechanism. Affected: yes.

NM_001062.4(TCN1):c.104G>A (p.Arg35His)

Gene: TCN1 (transcobalamin 1; minus strand). Cytogenetic location: 11q12.1.
Variant type: single nucleotide variant.
Coding change: c.104G>A on transcript NM_001062.4 (MANE Select); coding-DNA position 104, G replaced by A.
Protein change: p.Arg35His; replaces arginine 35 with histidine.
Molecular consequence: missense variant.
Genome position (GRCh38, 1-based): chr11:59,864,062, C>T on the plus strand (G>A on the coding strand, the complement: TCN1 is on the minus strand). VCF-style: chr11-59864062-C-T. GRCh37 (hg19) VCF-style: chr11-59631535-C-T.
Other names: short protein forms R35H.
Identifiers: ClinVar variation 460313 (VCV000460313.25), dbSNP rs34528912, ClinGen allele CA6022123.